The following is an entry in ClinVar:

ClinVar aggregate classification (germline): Pathogenic (1 of 4 stars; one submission).

Conditions:
Polycystic kidney disease, adult type (PKD1). Also called: Polycystic Kidney Disease 1, Autosomal Dominant; Polycystic kidney disease 1; Polycystic kidney disease 1, severe; Polycystic Kidney, Autosomal Dominant; POLYCYSTIC KIDNEY DISEASE 1 WITH OR WITHOUT POLYCYSTIC LIVER DISEASE; POLYCYSTIC KIDNEY DISEASE, ADULT, TYPE I. Identifiers: MedGen C3149841, MONDO:0008263, OMIM 173900.

Submission:

Women's Health and Genetics/Laboratory Corporation of America, LabCorp
Classification: Pathogenic for Polycystic kidney disease, adult type. Last evaluated: 2025-05-01. Review status: criteria provided, single submitter. Criteria: LabCorp Variant Classification Summary - May 2015. Collection method: clinical testing. Allele origin: germline.
Comment: Variant summary: PKD1 c.12308delC (p.Ala4103ValfsX95) results in a premature termination codon, predicted to cause a truncation of the encoded protein or absence of the protein due to nonsense mediated decay, which are commonly known mechanisms for disease. The variant was absent in 243760 control chromosomes. c.12308delC has been observed in individual(s) affected with Autosomal Dominant Polycystic Kidney Disease 1 (Kim_2019, Mantovani_2020). These data indicate that the variant is likely to be associated with disease. To our knowledge, no experimental evidence demonstrating an impact on protein function has been reported. The following publications have been ascertained in the context of this evaluation (PMID: 31740684, 32457805). No submitters have cited clinical-significance assessments for this variant to ClinVar. Based on the evidence outlined above, the variant was classified as pathogenic.

Literature cited by the submitters: PubMed 32457805; PubMed 31740684.

NM_001009944.3(PKD1):c.12308del (p.Ala4103fs)

Gene: PKD1 (polycystin 1, transient receptor potential channel interacting; minus strand). Cytogenetic location: 16p13.3.
Variant type: Deletion.
Coding change: c.12308del on transcript NM_001009944.3 (MANE Select); coding-DNA position 12308, one base deleted (C; older notation c.12308delC).
Protein change: p.Ala4103fs; shifts the reading frame from alanine 4103.
Molecular consequence: frameshift variant.
Genome position (GRCh38, 1-based): chr16:2,090,421, G deleted on the plus strand (C on the coding strand, the reverse complement: PKD1 is on the minus strand). VCF-style (leftmost placement, unchanged base first): chr16-2090420-AG-A. GRCh37 (hg19) VCF-style: chr16-2140421-AG-A.
Other names: c.12305del, p.Ala4102fs (NM_000296.4); c.12308delC (NM_001009944.3); short protein forms A4102fs, A4103fs.
Identifiers: ClinVar variation 3902612 (VCV003902612.1).